The following is an entry in ClinVar:

NM_006295.3(VARS1):c.1743G>A (p.Val581=)

Gene: VARS1 (valyl-tRNA synthetase 1; minus strand). Cytogenetic location: 6p21.33.
Variant type: single nucleotide variant.
Coding change: c.1743G>A on transcript NM_006295.3 (MANE Select); coding-DNA position 1743, G replaced by A.
Protein change: p.Val581=; no amino-acid change (valine 581 retained).
Molecular consequence: synonymous variant.
Genome position (GRCh38, 1-based): chr6:31,783,115, C>T on the plus strand (G>A on the coding strand, the complement: VARS1 is on the minus strand). VCF-style: chr6-31783115-C-T. GRCh37 (hg19) VCF-style: chr6-31750892-C-T.
Other names: NC_000006.11:g.31750892C>T.
Identifiers: ClinVar variation 708919 (VCV000708919.8), dbSNP rs115320814, ClinGen allele CA3723204.

ClinVar aggregate classification (germline): Benign/Likely benign. Review status: criteria provided, multiple submitters, no conflicts (2 of 4 stars). 3 submissions from 3 submitters: Benign (1); Likely benign (1). 1 of the submissions does not count toward it. Last evaluated 2024-10-18.

Conditions:
VARS1-related disorder. Also called: VARS1-related condition.

Allele frequency attached by ClinVar (database versions not stated): gnomAD exomes 0.00046 and 0.00111; ExAC 0.00128; gnomAD 0.00453 and 0.00486; ESP Exome Variant Server 0.00474; TOPMed 0.00520; 1000 Genomes Project 30x 0.00547; 1000 Genomes Project 0.00559.
gnomAD v4.1: 1,393 of 1,612,766 alleles (0.086%); highest among the groups gnomAD compares: African/African-American, 1.6%; 12 homozygotes.

Submissions (9):

Blueprint Genetics
Classification: Likely benign. Last evaluated: 2024-10-18. Review status: criteria provided, single submitter. Criteria: ACMG Guidelines, 2015. Collection method: clinical testing. Allele origin: germline.

Labcorp Genetics (formerly Invitae), Labcorp
Classification: Benign. Last evaluated: 2019-12-31. Review status: criteria provided, single submitter. Criteria: Invitae Variant Classification Sherloc (09022015). Collection method: clinical testing. Allele origin: germline.

PreventionGenetics, part of Exact Sciences
Classification: Benign for VARS1-related condition. Last evaluated: 2019-02-25. Review status: no assertion criteria provided. Collection method: clinical testing. Allele origin: germline. Not counted in ClinVar's aggregate classification.
Comment: This variant is classified as benign based on ACMG/AMP sequence variant interpretation guidelines (Richards et al. 2015 PMID: 25741868, with internal and published modifications).

Dr. Peter K. Rogan Lab, Western University
No classification provided (evidence only). Condition: Clear cell carcinoma of kidney. Review status: no classification provided. Collection method: in vitro. Allele origin: not applicable. Functional consequence: retained intron. Not counted in ClinVar's aggregate classification.

Dr. Peter K. Rogan Lab, Western University
No classification provided (evidence only). Condition: Acute myeloid leukemia. Review status: no classification provided. Collection method: in vitro. Allele origin: not applicable. Functional consequence: skipped exon. Not counted in ClinVar's aggregate classification.

Dr. Peter K. Rogan Lab, Western University
No classification provided (evidence only). Condition: Acute myeloid leukemia. Review status: no classification provided. Collection method: in vitro. Allele origin: not applicable. Functional consequence: skipped exon, retained intron. Not counted in ClinVar's aggregate classification.

Dr. Peter K. Rogan Lab, Western University
No classification provided (evidence only). Condition: Ovarian serous cystadenocarcinoma. Review status: no classification provided. Collection method: in vitro. Allele origin: not applicable. Functional consequence: retained intron. Not counted in ClinVar's aggregate classification.

Dr. Peter K. Rogan Lab, Western University
No classification provided (evidence only). Condition: Gastric cancer. Review status: no classification provided. Collection method: in vitro. Allele origin: not applicable. Functional consequence: retained intron. Not counted in ClinVar's aggregate classification.

Dr. Peter K. Rogan Lab, Western University
No classification provided (evidence only). Condition: Gastric cancer. Review status: no classification provided. Collection method: in vitro. Allele origin: not applicable. Functional consequence: retained intron. Not counted in ClinVar's aggregate classification.